The following is an entry in ClinVar:

ClinVar aggregate classification (germline): Uncertain significance (1 of 4 stars; one submission).

Allele frequency attached by ClinVar (database versions not stated): TOPMed below 0.00001.

Submission:

Labcorp Genetics (formerly Invitae), Labcorp
Classification: Uncertain significance. Last evaluated: 2024-09-05. Review status: criteria provided, single submitter. Criteria: Invitae Variant Classification Sherloc (09022015). Collection method: clinical testing. Allele origin: germline.
Comment: This sequence change replaces glycine, which is neutral and non-polar, with serine, which is neutral and polar, at codon 339 of the NKX2-1 protein (p.Gly339Ser). This variant is not present in population databases (gnomAD no frequency). This variant has not been reported in the literature in individuals affected with NKX2-1-related conditions. ClinVar contains an entry for this variant (Variation ID: 1384433). An algorithm developed to predict the effect of missense changes on protein structure and function outputs the following: PolyPhen-2: "Benign". The serine amino acid residue is found in multiple mammalian species, which suggests that this missense change does not adversely affect protein function. In summary, the available evidence is currently insufficient to determine the role of this variant in disease. Therefore, it has been classified as a Variant of Uncertain Significance.

NM_001079668.3(NKX2-1):c.1015G>A (p.Gly339Ser)

Genes: NKX2-1 (NK2 homeobox 1; minus strand), SFTA3 (surfactant associated 3; minus strand). Cytogenetic location: 14q13.3.
Variant type: single nucleotide variant.
Coding change: c.1015G>A on transcript NM_001079668.3 (MANE Select); coding-DNA position 1015, G replaced by A.
Protein change: p.Gly339Ser; replaces glycine 339 with serine.
Molecular consequence: missense variant.
Genome position (GRCh38, 1-based): chr14:36,517,469, C>T on the plus strand (G>A on the coding strand, the complement: NKX2-1 is on the minus strand). VCF-style: chr14-36517469-C-T. GRCh37 (hg19) VCF-style: chr14-36986674-C-T.
Other names: c.925G>A, p.Gly309Ser (NM_003317.4); short protein forms G339S, G309S.
Identifiers: ClinVar variation 1384433 (VCV001384433.6), dbSNP rs1881082481, ClinGen allele CA389458410.